The following is an entry in ClinVar:

ClinVar aggregate classification (germline): Uncertain significance (1 of 4 stars; one submission).

Conditions:
Focal segmental glomerulosclerosis 5 (FSGS5). Identifiers: Orphanet 656, MedGen C2750475, MONDO:0013191, OMIM 613237.
Charcot-Marie-Tooth disease dominant intermediate E. Also called: CHARCOT-MARIE-TOOTH NEUROPATHY WITH FOCAL SEGMENTAL GLOMERULONEPHRITIS. Identifiers: Orphanet 93114, MedGen C4302667, MONDO:0013758, OMIM 614455.

Allele frequency attached by ClinVar (database versions not stated): TOPMed below 0.00001.
gnomAD v4.1: 3 of 1,608,636 alleles (0.00019%); highest among the groups gnomAD compares: Non-Finnish European, 0.00025%; no homozygotes.

Submission:

Labcorp Genetics (formerly Invitae), Labcorp
Classification: Uncertain significance for Charcot-Marie-Tooth disease dominant intermediate E; Focal segmental glomerulosclerosis 5. Last evaluated: 2026-01-27. Review status: criteria provided, single submitter. Criteria: Invitae Variant Classification Sherloc (09022015). Collection method: clinical testing. Allele origin: germline.
Comment: This sequence change replaces aspartic acid, which is acidic and polar, with histidine, which is basic and polar, at codon 61 of the INF2 protein (p.Asp61His). This variant is not present in population databases (gnomAD no frequency). This variant has not been reported in the literature in individuals affected with INF2-related conditions. ClinVar contains an entry for this variant (Variation ID: 1001718). Invitae Evidence Modeling of protein sequence and biophysical properties (such as structural, functional, and spatial information, amino acid conservation, physicochemical variation, residue mobility, and thermodynamic stability) indicates that this missense variant is expected to disrupt INF2 protein function with a positive predictive value of 80%. In summary, the available evidence is currently insufficient to determine the role of this variant in disease. Therefore, it has been classified as a Variant of Uncertain Significance.

NM_022489.4(INF2):c.181G>C (p.Asp61His)

Gene: INF2 (inverted formin 2; plus strand). Cytogenetic location: 14q32.33.
Variant type: single nucleotide variant.
Coding change: c.181G>C on transcript NM_022489.4 (MANE Select); coding-DNA position 181, G replaced by C.
Protein change: p.Asp61His; replaces aspartic acid 61 with histidine.
Molecular consequence: missense variant.
Genome position (GRCh38, 1-based): chr14:104,701,546, G>C. VCF-style: chr14-104701546-G-C. GRCh37 (hg19) VCF-style: chr14-105167883-G-C.
Other names: c.181G>C, p.Asp61His (NM_001031714.4, NM_032714.3); short protein forms D61H.
Identifiers: ClinVar variation 1001718 (VCV001001718.8), dbSNP rs1410857502, ClinGen allele CA391225301.